The following is an entry in ClinVar:

ClinVar aggregate classification (germline): Likely benign (1 of 4 stars; one submission).

Submission:

CeGaT Center for Human Genetics Tuebingen
Classification: Likely benign. Last evaluated: 2023-10-01. Review status: criteria provided, single submitter. Criteria: CeGaT Center For Human Genetics Tuebingen Variant Classification Criteria Version 2. Collection method: clinical testing. Allele origin: germline. Affected: yes. Observed: 1 variant allele.
Comment: FANCA: PM2:Supporting, BP4, BP7

NM_000135.4(FANCA):c.1410G>A (p.Leu470=)

Gene: FANCA (FA complementation group A; minus strand). Cytogenetic location: 16q24.3.
Variant type: single nucleotide variant.
Coding change: c.1410G>A on transcript NM_000135.4 (MANE Select); coding-DNA position 1410, G replaced by A.
Protein change: p.Leu470=; no amino-acid change (leucine 470 retained).
Molecular consequence: synonymous variant.
Genome position (GRCh38, 1-based): chr16:89,784,914, C>T on the plus strand (G>A on the coding strand, the complement: FANCA is on the minus strand). VCF-style: chr16-89784914-C-T. GRCh37 (hg19) VCF-style: chr16-89851322-C-T.
Other names: c.1410G>A, p.Leu470= (NM_001286167.3).
Identifiers: ClinVar variation 2647138 (VCV002647138.24), dbSNP rs2143476857, ClinGen allele CA497191249.